The following is an entry in ClinVar:

ClinVar aggregate classification (germline): Uncertain significance. Review status: criteria provided, multiple submitters, no conflicts (2 of 4 stars). 3 submissions from 3 submitters: Uncertain significance (3). Last evaluated 2026-07-01.

Conditions:
TTN-related disorder. Also called: TTN-related condition; TTN-related disease; TTN-related disorders.
Early-onset myopathy with fatal cardiomyopathy (CMYO5). Also called: Salih Myopathy; CONGENITAL MYOPATHY 5 WITH CARDIOMYOPATHY. Identifiers: Orphanet 289377, MedGen C2673677, MONDO:0012714, OMIM 611705. Disease mechanism: loss of function.
Dilated cardiomyopathy 1G (CMD1G). Identifiers: Orphanet 154, MedGen C1858763, MONDO:0011400, OMIM 604145.
Autosomal recessive limb-girdle muscular dystrophy type 2J (LGMDR10). Also called: Limb-girdle muscular dystrophy, type 2J; MUSCULAR DYSTROPHY, LIMB-GIRDLE, AUTOSOMAL RECESSIVE 10. Identifiers: Orphanet 140922, MedGen C1837342, MONDO:0012127, OMIM 608807.
Tibial muscular dystrophy (TMD). Also called: Tibial muscular dystrophy, tardive; Udd Distal Myopathy – Tibial Muscular Dystrophy; UDD MYOPATHY. Identifiers: Orphanet 609, MedGen C1838244, MONDO:0010870, OMIM 600334.
Myopathy, myofibrillar, 9, with early respiratory failure (MFM9). Also called: Myopathy, distal, with early respiratory failure, autosomal dominant; MYOPATHY, PROXIMAL, WITH EARLY RESPIRATORY MUSCLE INVOLVEMENT; Hereditary myopathy with early respiratory failure; EDSTROM MYOPATHY. Identifiers: Orphanet 178464, Orphanet 34521, MedGen C1863599, MONDO:0011362, OMIM 603689.
Hypertrophic cardiomyopathy 9. Also called: Familial hypertrophic cardiomyopathy 9. Identifiers: MedGen C1861065, MONDO:0013412, OMIM 613765.

Allele frequency attached by ClinVar (database versions not stated): TOPMed 0.00002; gnomAD 0.00006.
gnomAD v4.1: 17 of 1,613,042 alleles (0.0011%); highest among the groups gnomAD compares: African/African-American, 0.0094%; no homozygotes.

Submissions (3):

PreventionGenetics, part of Exact Sciences
Classification: Uncertain significance for TTN-related condition. Last evaluated: 2026-07-01. Review status: criteria provided, single submitter. Criteria: ACMG Guidelines, 2015. Collection method: clinical testing. Allele origin: germline.
Comment: The TTN c.39289C>G variant is predicted to result in the amino acid substitution p.Pro13097Ala. This variant has been reported as a variant of uncertain significance in a left ventricular non-compaction cohort (Table S2, Richard et al. 2019. PubMed ID: 30471092). This variant is reported in 0.013% of alleles in individuals of European (Non-Finnish) descent in gnomAD. At this time, the clinical significance of this variant is uncertain due to the absence of conclusive functional and genetic evidence.

Fulgent Genetics
Classification: Uncertain significance for Tibial muscular dystrophy; Myopathy, myofibrillar, 9, with early respiratory failure; Dilated cardiomyopathy 1G; Autosomal recessive limb-girdle muscular dystrophy type 2J; Early-onset myopathy with fatal cardiomyopathy; Hypertrophic cardiomyopathy 9. Last evaluated: 2021-08-23. Review status: criteria provided, single submitter. Criteria: ACMG Guidelines, 2015. Collection method: clinical testing. Allele origin: unknown.

Eurofins Ntd Llc (ga)
Classification: Uncertain significance. Last evaluated: 2014-12-23. Review status: criteria provided, single submitter. Criteria: EGL Classification Definitions 2015. Collection method: clinical testing. Allele origin: germline. Observed: 2 variant alleles, 2 heterozygotes.

NM_001267550.2(TTN):c.39289C>G (p.Pro13097Ala)

Gene: TTN (titin; minus strand). Cytogenetic location: 2q31.2.
Variant type: single nucleotide variant.
Coding change: c.39289C>G on transcript NM_001267550.2 (MANE Select); coding-DNA position 39289, C replaced by G.
Protein change: p.Pro13097Ala; replaces proline 13097 with alanine.
Molecular consequence: missense variant. On other transcripts: intron variant (3).
Genome position (GRCh38, 1-based): chr2:178,652,102, G>C on the plus strand (C>G on the coding strand, the complement: TTN is on the minus strand). VCF-style: chr2-178652102-G-C. GRCh37 (hg19) VCF-style: chr2-179516829-G-C.
Other names: c.34768C>G, p.Pro11590Ala (NM_001256850.1); c.31987C>G, p.Pro10663Ala (NM_133378.4); c.13283-9785C>G (NM_003319.4); c.13859-9785C>G (NM_133437.4); c.13658-9785C>G (NM_133432.3); short protein forms P13097A, P10663A, P11590A.
Identifiers: ClinVar variation 194582 (VCV000194582.7), dbSNP rs370157162, ClinGen allele CA240627.
Genomic context (GRCh38, chr2:178,652,102, plus strand): 5'-ACACTAAGGAAAGATTTTTTTAAAAAACACTAATTTGAATAGTTTCATTATTACCTTCAG[G>C]GGGAGGACTTTCCGGTTTGGGAGGAATAGCTTCAGGCACCTTCTTTTCTGGGACAGCTAC-3'
Protein context (NP_001254479.2, residues 13087-13107): AIPPKPESPP[Pro13097Ala]EVFEEPEEVA